The following is an entry in ClinVar:

ClinVar aggregate classification (germline): Uncertain significance. Review status: criteria provided, multiple submitters, no conflicts (2 of 4 stars). 2 submissions from 2 submitters: Uncertain significance (2). Last evaluated 2023-02-14.

Conditions:
Tuberous sclerosis 2 (TSC2). Identifiers: Orphanet 805, MedGen C1860707, MONDO:0013199, OMIM 613254.

gnomAD v4.1: 1 of 1,612,994 alleles (0.000062%); highest among the groups gnomAD compares: Non-Finnish European, 0.000085%; no homozygotes.

Submissions (2):

GeneDx
Classification: Uncertain significance. Last evaluated: 2023-02-14. Review status: criteria provided, single submitter. Criteria: GeneDx Variant Classification Process June 2021. Collection method: clinical testing. Allele origin: germline. Affected: yes.
Comment: Not observed at significant frequency in large population cohorts (gnomAD); In silico analysis supports that this missense variant does not alter protein structure/function; Has not been previously published as pathogenic or benign to our knowledge

Labcorp Genetics (formerly Invitae), Labcorp
Classification: Uncertain significance for Tuberous sclerosis 2. Last evaluated: 2022-05-07. Review status: criteria provided, single submitter. Criteria: Invitae Variant Classification Sherloc (09022015). Collection method: clinical testing. Allele origin: germline.
Comment: In summary, the available evidence is currently insufficient to determine the role of this variant in disease. Therefore, it has been classified as a Variant of Uncertain Significance. Advanced modeling of protein sequence and biophysical properties (such as structural, functional, and spatial information, amino acid conservation, physicochemical variation, residue mobility, and thermodynamic stability) performed at Invitae indicates that this missense variant is not expected to disrupt TSC2 protein function. ClinVar contains an entry for this variant (Variation ID: 647710). This variant has not been reported in the literature in individuals affected with TSC2-related conditions. This variant is not present in population databases (gnomAD no frequency). This sequence change replaces alanine, which is neutral and non-polar, with serine, which is neutral and polar, at codon 1169 of the TSC2 protein (p.Ala1169Ser).

NM_000548.5(TSC2):c.3505G>T (p.Ala1169Ser)

Gene: TSC2 (TSC complex subunit 2; plus strand). Cytogenetic location: 16p13.3.
Variant type: single nucleotide variant.
Coding change: c.3505G>T on transcript NM_000548.5 (MANE Select); coding-DNA position 3505, G replaced by T.
Protein change: p.Ala1169Ser; replaces alanine 1169 with serine.
Molecular consequence: missense variant.
Genome position (GRCh38, 1-based): chr16:2,080,272, G>T. VCF-style: chr16-2080272-G-T. GRCh37 (hg19) VCF-style: chr16-2130273-G-T.
Other names: c.2773G>T, p.Ala925Ser (NM_001318831.2); c.3406G>T, p.Ala1136Ser (NM_001318832.2); c.3376G>T, p.Ala1126Ser (NM_001363528.2, NM_001370405.1, NM_021055.3); c.3373G>T, p.Ala1125Ser (NM_001370404.1, NM_001077183.3); c.3505G>T, p.Ala1169Ser (NM_001114382.3); c.3265G>T, p.Ala1089Ser (NM_001318827.2); c.3229G>T, p.Ala1077Ser (NM_001318829.2); short protein forms A1126S, A925S, A1077S, A1089S, A1125S, A1136S, A1169S.
Identifiers: ClinVar variation 647710 (VCV000647710.9), dbSNP rs773900333, ClinGen allele CA394289238.